The following is an entry in ClinVar:

ClinVar aggregate classification (germline): Conflicting classifications of pathogenicity. Review status: criteria provided, conflicting classifications (1 of 4 stars). 3 submissions from 3 submitters: Uncertain significance (1); Likely benign (1). 1 of the submissions does not count toward it. Last evaluated 2024-08-18.

Conditions:
DOCK6-related disorder. Also called: DOCK6-related condition.

Allele frequency attached by ClinVar (database versions not stated): ExAC 0.00001; gnomAD exomes 0.00002; TOPMed 0.00002.
gnomAD v4.1: 29 of 1,611,302 alleles (0.0018%); highest among the groups gnomAD compares: Middle Eastern, 0.019%; no homozygotes.

Submissions (3):

Labcorp Genetics (formerly Invitae), Labcorp
Classification: Likely benign. Last evaluated: 2024-08-18. Review status: criteria provided, single submitter. Criteria: Invitae Variant Classification Sherloc (09022015). Collection method: clinical testing. Allele origin: germline.

CeGaT Center for Human Genetics Tuebingen
Classification: Uncertain significance. Last evaluated: 2016-05-01. Review status: criteria provided, single submitter. Criteria: CeGaT Center For Human Genetics Tuebingen Variant Classification Criteria Version 2. Collection method: clinical testing. Allele origin: germline. Affected: yes. Observed: 1 variant allele.

PreventionGenetics, part of Exact Sciences
Classification: Likely benign for DOCK6-related condition. Last evaluated: 2019-07-25. Review status: no assertion criteria provided. Collection method: clinical testing. Allele origin: germline. Not counted in ClinVar's aggregate classification.
Comment: This variant is classified as likely benign based on ACMG/AMP sequence variant interpretation guidelines (Richards et al. 2015 PMID: 25741868, with internal and published modifications).

NM_020812.4(DOCK6):c.4350G>C (p.Leu1450=)

Genes: DOCK6 (dedicator of cytokinesis 6; minus strand), DOCK6-AS1 (DOCK6 antisense RNA 1; plus strand). Cytogenetic location: 19p13.2.
Variant type: single nucleotide variant.
Coding change: c.4350G>C on transcript NM_020812.4 (MANE Select); coding-DNA position 4350, G replaced by C.
Protein change: p.Leu1450=; no amino-acid change (leucine 1450 retained).
Molecular consequence: synonymous variant.
Genome position (GRCh38, 1-based): chr19:11,213,317, C>G on the plus strand (G>C on the coding strand, the complement: DOCK6 is on the minus strand). VCF-style: chr19-11213317-C-G. GRCh37 (hg19) VCF-style: chr19-11323993-C-G.
Other names: c.4455G>C, p.Leu1485= (NM_001367830.1); c.4350G>C (NM_020812.3).
Identifiers: ClinVar variation 808455 (VCV000808455.47), dbSNP rs763073235, ClinGen allele CA9206883.